The following is an entry in ClinVar:

NM_001211.6(BUB1B):c.829G>A (p.Glu277Lys)

Gene: BUB1B (BUB1 mitotic checkpoint serine/threonine kinase B; plus strand). Cytogenetic location: 15q15.1.
Variant type: single nucleotide variant.
Coding change: c.829G>A on transcript NM_001211.6 (MANE Select); coding-DNA position 829, G replaced by A.
Protein change: p.Glu277Lys; replaces glutamic acid 277 with lysine.
Molecular consequence: missense variant.
Genome position (GRCh38, 1-based): chr15:40,185,242, G>A. VCF-style: chr15-40185242-G-A. GRCh37 (hg19) VCF-style: chr15-40477443-G-A.
Other names: short protein forms E277K.
Identifiers: ClinVar variation 4600582 (VCV004600582.1).

ClinVar aggregate classification (germline): Uncertain significance (1 of 4 stars; one submission).

Conditions:
Inborn genetic diseases. Identifiers: MedGen C0950123, MeSH D030342.

Submission:

Ambry Genetics
Classification: Uncertain significance for Inborn genetic diseases. Last evaluated: 2025-11-11. Review status: criteria provided, single submitter. Criteria: Ambry Variant Classification Scheme 2023. Collection method: clinical testing. Allele origin: germline.
Comment: The p.E277K variant (also known as c.829G>A), located in coding exon 7 of the BUB1B gene, results from a G to A substitution at nucleotide position 829. The glutamic acid at codon 277 is replaced by lysine, an amino acid with similar properties. This amino acid position is conserved. In addition, the in silico prediction for this alteration is inconclusive. Based on the available evidence, the clinical significance of this variant remains unclear.